The following is an entry in ClinVar:

ClinVar aggregate classification (germline): Benign (1 of 4 stars; one submission).

Conditions:
Hereditary spastic paraplegia 6 (SPG6). Also called: SPASTIC PARAPLEGIA 6, AUTOSOMAL DOMINANT. Identifiers: Orphanet 100988, MedGen C1838192, MONDO:0010878, OMIM 600363.

Allele frequency attached by ClinVar (database versions not stated): gnomAD 0.02652 and 0.02793; TOPMed 0.02887; 1000 Genomes Project 0.03055; 1000 Genomes Project 30x 0.03310.

Submission:

Illumina Laboratory Services, Illumina
Classification: Benign for Hereditary spastic paraplegia 6. Last evaluated: 2018-01-13. Review status: criteria provided, single submitter. Criteria: ICSL Variant Classification Criteria 13 December 2019. Collection method: clinical testing. Allele origin: germline.
Comment: This variant was observed in the ICSL laboratory as part of a predisposition screen in an ostensibly healthy population. It had not been previously curated by ICSL or reported in the Human Gene Mutation Database (HGMD: prior to June 1st, 2018), and was therefore a candidate for classification through an automated scoring system. Utilizing variant allele frequency, disease prevalence and penetrance estimates, and inheritance mode, an automated score was calculated to assess if this variant is too frequent to cause the disease. Based on the score and internal cut-off values, a variant classified as benign is not then subjected to further curation. The score for this variant resulted in a classification of benign for this disease.

NM_144599.5(NIPA1):c.*3278C>G

Gene: NIPA1 (NIPA magnesium transporter 1; plus strand). Cytogenetic location: 15q11.2.
Variant type: single nucleotide variant.
Coding change: c.*3278C>G on transcript NM_144599.5 (MANE Select); 3278 bases downstream of the stop codon, C replaced by G.
Molecular consequence: 3 prime UTR variant.
Genome position (GRCh38, 1-based): chr15:22,827,517, C>G. VCF-style: chr15-22827517-C-G. GRCh37 (hg19) VCF-style: chr15-23045551-G-C.
Other names: c.*3278C>G (NM_001142275.1).
Identifiers: ClinVar variation 315363 (VCV000315363.5), dbSNP rs57615013, ClinGen allele CA10635706.